The following is an entry in ClinVar:

ClinVar aggregate classification (germline): Pathogenic (1 of 4 stars; one submission).

Submission:

Labcorp Genetics (formerly Invitae), Labcorp
Classification: Pathogenic. Last evaluated: 2023-07-13. Review status: criteria provided, single submitter. Criteria: Invitae Variant Classification Sherloc (09022015). Collection method: clinical testing. Allele origin: germline.
Comment: This sequence change creates a premature translational stop signal (p.Ser1059*) in the COL4A3 gene. It is expected to result in an absent or disrupted protein product. Loss-of-function variants in COL4A3 are known to be pathogenic (PMID: 8956999, 24854265, 26809805, 27281700). This variant is not present in population databases (gnomAD no frequency). This variant has not been reported in the literature in individuals affected with COL4A3-related conditions. ClinVar contains an entry for this variant (Variation ID: 1457313). For these reasons, this variant has been classified as Pathogenic.

Literature cited by the submitters: PubMed 8956999; PubMed 24854265; PubMed 26809805; PubMed 27281700.

NM_000091.5(COL4A3):c.3176C>G (p.Ser1059Ter)

Genes: COL4A3 (collagen type IV alpha 3 chain; plus strand), MFF-DT (MFF divergent transcript; minus strand). Cytogenetic location: 2q36.3.
Variant type: single nucleotide variant.
Coding change: c.3176C>G on transcript NM_000091.5 (MANE Select); coding-DNA position 3176, C replaced by G.
Protein change: p.Ser1059Ter; replaces serine 1059 with a stop codon.
Molecular consequence: nonsense.
Genome position (GRCh38, 1-based): chr2:227,290,852, C>G. VCF-style: chr2-227290852-C-G. GRCh37 (hg19) VCF-style: chr2-228155568-C-G.
Other names: short protein forms S1059*.
Identifiers: ClinVar variation 1457313 (VCV001457313.6), dbSNP rs2072651666, ClinGen allele CA350855946.